The following is an entry in ClinVar:

ClinVar aggregate classification (germline): Pathogenic (1 of 4 stars; one submission).

Submission:

GeneDx
Classification: Pathogenic. Last evaluated: 2015-12-31. Review status: criteria provided, single submitter. Criteria: GeneDx Variant Classification (06012015). Collection method: clinical testing. Allele origin: germline. Affected: yes.
Comment: The Q82X pathogenic variant in the COL6A2 gene has not been reported previously as a pathogenic variant nor as a benign variant, to our knowledge. This variant is predicted to cause loss of normal protein function either through protein truncation or nonsense-mediated mRNA decay. The Q82X variant was not observed in approximately 6,500 individuals of European and African American ancestry in the NHLBI Exome Sequencing Project, indicating it is not a common benign variant in these populations. We interpret Q82X as a pathogenic variant.

NM_001849.4(COL6A2):c.244C>T (p.Gln82Ter)

Gene: COL6A2 (collagen type VI alpha 2 chain; plus strand). Cytogenetic location: 21q22.3.
Variant type: single nucleotide variant.
Coding change: c.244C>T on transcript NM_001849.4 (MANE Select); coding-DNA position 244, C replaced by T.
Protein change: p.Gln82Ter; replaces glutamine 82 with a stop codon.
Molecular consequence: nonsense.
Genome position (GRCh38, 1-based): chr21:46,112,107, C>T. VCF-style: chr21-46112107-C-T. GRCh37 (hg19) VCF-style: chr21-47532021-C-T.
Other names: c.244C>T, p.Gln82Ter (NM_058174.3, NM_058175.3); short protein forms Q82*.
Identifiers: ClinVar variation 280197 (VCV000280197.2), dbSNP rs886041447, ClinGen allele CA10603684.